The following is an entry in ClinVar:

ClinVar aggregate classification (germline): Pathogenic/Likely pathogenic. Review status: criteria provided, multiple submitters, no conflicts (2 of 4 stars). 6 submissions from 6 submitters: Pathogenic (3); Likely pathogenic (2). 1 of the submissions does not count toward it. Last evaluated 2026-01-25.

Conditions:
Medium-chain acyl-coenzyme A dehydrogenase deficiency (ACADMD). Also called: MCAD Deficiency; ACADM DEFICIENCY; MCADD; Medium chain acyl-CoA dehydrogenase deficiency; CARNITINE DEFICIENCY SECONDARY TO MEDIUM-CHAIN ACYL-CoA DEHYDROGENASE DEFICIENCY; MCADH DEFICIENCY. Identifiers: Orphanet 42, MedGen C0220710, MONDO:0008721, OMIM 201450.

Submissions (6):

Labcorp Genetics (formerly Invitae), Labcorp
Classification: Pathogenic for Medium-chain acyl-coenzyme A dehydrogenase deficiency. Last evaluated: 2026-01-25. Review status: criteria provided, single submitter. Criteria: Invitae Variant Classification Sherloc (09022015). Collection method: clinical testing. Allele origin: germline.
Comment: This sequence change creates a premature translational stop signal (p.Arg408Thrfs*6) in the ACADM gene. While this is not anticipated to result in nonsense mediated decay, it is expected to disrupt the last 14 amino acid(s) of the ACADM protein. This variant is not present in population databases (gnomAD no frequency). This premature translational stop signal has been observed in individual(s) with MCAD deficiency (PMID: 20434380). ClinVar contains an entry for this variant (Variation ID: 226069). Algorithms developed to predict the effect of sequence changes on RNA splicing suggest that this variant may disrupt the consensus splice site. This variant disrupts the p.Ile416 amino acid residue in ACADM. Other variant(s) that disrupt this residue have been determined to be pathogenic (PMID: 20434380, 23430840, 26947917). This suggests that this residue is clinically significant, and that variants that disrupt this residue are likely to be disease-causing. For these reasons, this variant has been classified as Pathogenic.

Natera, Inc.
Classification: Likely pathogenic for Medium Chain Acyl-CoA Dehydrogenase Deficiency. Last evaluated: 2025-10-04. Review status: criteria provided, single submitter. Criteria: Natera Variant Classification Schema (03/2026). Collection method: clinical testing. Allele origin: germline.
Comment: The c.1221_1222delAA variant in ACADM is a frameshift variant predicted to shift the reading frame beginning at codon 408 and leads to a stop codon 6 codons downstream. This variant is expected to result in nonsense mediated decay, truncation, or a dysfunctional protein product. This variant is rare in the general population with a frequency below the threshold expected for the associated phenotype(s). This variant has been observed in one or more individuals affected with the associated recessive disease, as either homozygous or compound heterozygous with a second variant (PMID: 20434380). Given the available evidence, this variant is classified as Likely Pathogenic.

GeneDx
Classification: Likely pathogenic. Last evaluated: 2023-02-01. Review status: criteria provided, single submitter. Criteria: GeneDx Variant Classification Process June 2021. Collection method: clinical testing. Allele origin: germline. Affected: yes.
Comment: Frameshift variant predicted to result in protein truncation, as the last 14 amino acids are replaced with 5 different amino acids, and other loss-of-function variants have been reported downstream in HGMD; Not observed at significant frequency in large population cohorts (gnomAD); This variant is associated with the following publications: (PMID: 20434380, 32778825)

Baylor Genetics
Classification: Pathogenic for Medium-chain acyl-coenzyme A dehydrogenase deficiency. Last evaluated: 2018-09-06. Review status: criteria provided, single submitter. Criteria: ACMG Guidelines, 2015. Collection method: clinical testing. Allele origin: maternal. Affected: yes.
Comment: This variant was determined to be pathogenic according to ACMG Guidelines, 2015 [PMID:25741868].

ARUP Laboratories, Molecular Genetics and Genomics, ARUP Laboratories
Classification: Pathogenic for Medium-chain acyl-coenzyme A dehydrogenase deficiency. Last evaluated: 2015-02-20. Review status: criteria provided, single submitter. Criteria: ACMG Guidelines, 2015. Collection method: clinical testing. Allele origin: germline. Inheritance: Autosomal recessive inheritance. Observed: 1 heterozygote.

Department of Genetics, Suzhou Beikang Medical Laboratory
Classification: Likely pathogenic for Medium-chain acyl-coenzyme A dehydrogenase deficiency. Last evaluated: 2024-10-31. Review status: no assertion criteria provided. Collection method: clinical testing. Allele origin: germline. Affected: no. Not counted in ClinVar's aggregate classification.
Comment: The c.1221_1222del pathogenic mutation, located in the last exon of the ACADM gene, results the last 14 amino acids are replaced with 5 different amino acids, causing a translational frameshift with a predicted alternate stop codon (p.Arg408Thrfs*6). This mutation has been identified in individual(s) with MCAD deficiency (PMID: 20434380). ClinVar contains an entry for this variant (Variation ID: 226069). This variant is not present in population databases (gnomAD no frequency). For these reasons, this variant has been classified as Likely Pathogenic.

Literature cited by the submitters: PubMed 20434380 (cited by Labcorp Genetics (formerly Invitae), Labcorp and Natera, Inc.); PubMed 23430840 (cited by Labcorp Genetics (formerly Invitae), Labcorp); PubMed 26947917 (cited by Labcorp Genetics (formerly Invitae), Labcorp).

NM_000016.6(ACADM):c.1221_1222del (p.Arg408fs)

Gene: ACADM (acyl-CoA dehydrogenase medium chain; plus strand). Cytogenetic location: 1p31.1.
Variant type: Deletion.
Coding change: c.1221_1222del on transcript NM_000016.6 (MANE Select); coding-DNA positions 1221 to 1222, 2 bases deleted (AA; older notation c.1221_1222delAA).
Protein change: p.Arg408fs; shifts the reading frame from arginine 408.
Molecular consequence: frameshift variant.
Genome position (GRCh38, 1-based): chr1:75,762,718-75,762,719, AA deleted; deleting any 2 consecutive bases within chr1:75,762,717-75,762,719 gives the same sequence; the c. name uses the placement nearest the transcript's 3' end. VCF-style (leftmost placement, unchanged base first): chr1-75762716-CAA-C. GRCh37 (hg19) VCF-style: chr1-76228401-CAA-C.
Other names: c.1221_1222delAA (NM_000016.5, NM_000016.4); c.1233_1234del, p.Arg412fs (NM_001127328.3); c.1113_1114del, p.Arg372fs (NM_001286042.2); c.1320_1321del, p.Arg441fs (NM_001286043.2); c.654_655del, p.Arg219fs (NM_001286044.2); c.1221_1222del (NM_000016.4); short protein forms R219fs, R441fs, R408fs, R412fs, R372fs.
Identifiers: ClinVar variation 226069 (VCV000226069.22), dbSNP rs875989860, ClinGen allele CA10576246.